The following is an entry in ClinVar:

ClinVar aggregate classification (germline): Uncertain significance. Review status: criteria provided, multiple submitters, no conflicts (2 of 4 stars). 4 submissions from 4 submitters: Uncertain significance (4). Last evaluated 2025-05-05.

Conditions:
ANKRD1-related dilated cardiomyopathy. Identifiers: MedGen CN119551.
Cardiovascular phenotype. Identifiers: MedGen CN230736.
Cardiomyopathy (CMYO). Also called: Cardiomyopathies. Identifiers: Orphanet 167848, MedGen C0878544, MONDO:0004994, HP:0001638. Inheritance: Various modes of inheritance.

Allele frequency attached by ClinVar (database versions not stated): gnomAD 0.00001 and 0.00002; TOPMed 0.00003; gnomAD exomes 0.00005.
gnomAD v4.1: 78 of 1,613,924 alleles (0.0048%); highest among the groups gnomAD compares: Non-Finnish European, 0.0066%; no homozygotes.

Submissions (4):

Labcorp Genetics (formerly Invitae), Labcorp
Classification: Uncertain significance for ANKRD1-related dilated cardiomyopathy. Last evaluated: 2025-05-05. Review status: criteria provided, single submitter. Criteria: Invitae Variant Classification Sherloc (09022015). Collection method: clinical testing. Allele origin: germline.
Comment: This sequence change replaces alanine, which is neutral and non-polar, with threonine, which is neutral and polar, at codon 175 of the ANKRD1 protein (p.Ala175Thr). This variant is not present in population databases (gnomAD no frequency). This variant has not been reported in the literature in individuals affected with ANKRD1-related conditions. ClinVar contains an entry for this variant (Variation ID: 477610). Invitae Evidence Modeling of protein sequence and biophysical properties (such as structural, functional, and spatial information, amino acid conservation, physicochemical variation, residue mobility, and thermodynamic stability) indicates that this missense variant is not expected to disrupt ANKRD1 protein function with a negative predictive value of 80%. In summary, the available evidence is currently insufficient to determine the role of this variant in disease. Therefore, it has been classified as a Variant of Uncertain Significance.

Ambry Genetics
Classification: Uncertain significance for Cardiovascular phenotype. Last evaluated: 2024-10-27. Review status: criteria provided, single submitter. Criteria: Ambry Variant Classification Scheme 2023. Collection method: clinical testing. Allele origin: germline.
Comment: The p.A175T variant (also known as c.523G>A), located in coding exon 5 of the ANKRD1 gene, results from a G to A substitution at nucleotide position 523. The alanine at codon 175 is replaced by threonine, an amino acid with similar properties. This amino acid position is well conserved in available vertebrate species. In addition, this alteration is predicted to be tolerated by in silico analysis. Since supporting evidence is limited at this time, the clinical significance of this alteration remains unclear.

GeneDx
Classification: Uncertain significance. Last evaluated: 2024-08-06. Review status: criteria provided, single submitter. Criteria: GeneDx Variant Classification Process June 2021. Collection method: clinical testing. Allele origin: germline. Affected: yes.
Comment: Not observed at significant frequency in large population cohorts (gnomAD); In silico analysis indicates that this missense variant does not alter protein structure/function; Has not been previously published as pathogenic or benign to our knowledge

Victorian Clinical Genetics Services, Murdoch Childrens Research Institute
Classification: Uncertain significance for Cardiomyopathy. Last evaluated: 2020-05-26. Review status: criteria provided, single submitter. Criteria: ACMG Guidelines, 2015. Collection method: clinical testing. Allele origin: germline. Inheritance: Autosomal dominant inheritance.
Comment: Based on the classification scheme VCGS_Germline_v1.1.1, this variant is classified as 3C-VUS. Following criteria are met: 0105 - The mechanism of disease for this gene is not clearly established. (N) 0107 - This gene is known to be associated with autosomal dominant disease (PMID: 19608030; PMID: 19608031). (N) 0200 - Variant is predicted to result in a missense amino acid change from alanine to threonine (exon 5). (N) 0251 - Variant is heterozygous. (N) 0302 - Variant is present in gnomAD <0.001 for a dominant condition (2 heterozygous, 0 homozygous; version 3). (P) 0309 - An alternative amino acid change at the same position has been observed in gnomAD (4 heterozygous, 0 homozygous; version 3). (N) 0503 - Missense variant consistently predicted to be tolerated and not conserved in mammals with a minor amino acid change. (B) 0600 - Variant is located in an annotated domain or motif (ankyrin domain; NCBI, Decipher, PDB). (N) 0705 - No comparable variants have previous evidence for pathogenicity. (N) 0807 - Variant has not previously been reported in a clinical context. (N) 0905 - No segregation evidence has been identified for this variant. (N) 1007 - No published functional evidence has been identified for this variant. (N) 1208 - Inheritance information for this variant is not currently available. (N) Legend: (P) - Pathogenic, (N) - Neutral, (B) - Benign

Literature cited by the submitters: PubMed 19608030 (cited by Victorian Clinical Genetics Services, Murdoch Childrens Research Institute); PubMed 19608031 (cited by Victorian Clinical Genetics Services, Murdoch Childrens Research Institute).

NM_014391.3(ANKRD1):c.523G>A (p.Ala175Thr)

Gene: ANKRD1 (ankyrin repeat domain 1; minus strand). Cytogenetic location: 10q23.31.
Variant type: single nucleotide variant.
Coding change: c.523G>A on transcript NM_014391.3 (MANE Select); coding-DNA position 523, G replaced by A.
Protein change: p.Ala175Thr; replaces alanine 175 with threonine.
Molecular consequence: missense variant.
Genome position (GRCh38, 1-based): chr10:90,917,761, C>T on the plus strand (G>A on the coding strand, the complement: ANKRD1 is on the minus strand). VCF-style: chr10-90917761-C-T. GRCh37 (hg19) VCF-style: chr10-92677518-C-T.
Other names: short protein forms A175T.
Identifiers: ClinVar variation 477610 (VCV000477610.13), dbSNP rs914206942, ClinGen allele CA211423331.